The following is an entry in ClinVar:

NM_001111125.3(IQSEC2):c.4079C>T (p.Pro1360Leu)

Gene: IQSEC2 (IQ motif and Sec7 domain ArfGEF 2; minus strand). Cytogenetic location: Xp11.22.
Variant type: single nucleotide variant.
Coding change: c.4079C>T on transcript NM_001111125.3 (MANE Select); coding-DNA position 4079, C replaced by T.
Protein change: p.Pro1360Leu; replaces proline 1360 with leucine.
Molecular consequence: missense variant. On other transcripts: 3 prime UTR variant (4), intron variant (2).
Genome position (GRCh38, 1-based): chrX:53,234,607, G>A on the plus strand (C>T on the coding strand, the complement: IQSEC2 is on the minus strand). VCF-style: chrX-53234607-G-A. GRCh37 (hg19) VCF-style: chrX-53263789-G-A.
Other names: p.Pro1360Leu; c.*564C>T (NM_001410736.1, NM_001441093.1, NM_001441094.1 and 1 more transcripts); c.3451+1715C>T (NM_001441092.1); c.2740+1715C>T (NM_001441095.1); short protein forms P1360L.
Identifiers: ClinVar variation 4542487 (VCV004542487.2).

ClinVar aggregate classification (germline): Uncertain significance. Review status: criteria provided, multiple submitters, no conflicts (2 of 4 stars). 2 submissions from 2 submitters: Uncertain significance (2). Last evaluated 2025-07-11.

Conditions:
Intellectual developmental disorder, X-linked 1. Also called: Intellectual disability, X-linked 1; Atkin Flaitz Patil Smith syndrome; MENTAL RETARDATION, X-LINKED 18; MENTAL RETARDATION, X-LINKED 78. Identifiers: Orphanet 777, MedGen C2931498, MONDO:0010656, OMIM 309530.

Submissions (2):

Mayo Clinic Laboratories, Mayo Clinic
Classification: Uncertain significance. Last evaluated: 2025-07-11. Review status: criteria provided, single submitter. Criteria: ACMG Guidelines, 2015. Collection method: clinical testing. Allele origin: germline. Observed: 1 variant allele.
Comment: BP4_moderate, PP2, PM2_supporting

Labcorp Genetics (formerly Invitae), Labcorp
Classification: Uncertain significance for Intellectual developmental disorder, X-linked 1. Last evaluated: 2025-05-01. Review status: criteria provided, single submitter. Criteria: Invitae Variant Classification Sherloc (09022015). Collection method: clinical testing. Allele origin: germline.
Comment: This sequence change replaces proline, which is neutral and non-polar, with leucine, which is neutral and non-polar, at codon 1360 of the IQSEC2 protein (p.Pro1360Leu). This variant is not present in population databases (gnomAD no frequency). This variant has not been reported in the literature in individuals affected with IQSEC2-related conditions. Invitae Evidence Modeling of protein sequence and biophysical properties (such as structural, functional, and spatial information, amino acid conservation, physicochemical variation, residue mobility, and thermodynamic stability) indicates that this missense variant is not expected to disrupt IQSEC2 protein function with a negative predictive value of 95%. In summary, the available evidence is currently insufficient to determine the role of this variant in disease. Therefore, it has been classified as a Variant of Uncertain Significance.